The following is an entry in ClinVar:

ClinVar aggregate classification (germline): Uncertain significance. Review status: criteria provided, single submitter (1 of 4 stars). 3 submissions from 3 submitters: Uncertain significance (1). 2 of the submissions do not count toward it. Last evaluated 2026-07-10.

Conditions:
Generalized epilepsy with febrile seizures plus, type 12. Also called: GEFS+, TYPE 12. Identifiers: MedGen C5935592, MONDO:0958324, OMIM 620755.
Generalized epilepsy with febrile seizures plus. Also called: Generalized Epilepsy with Febrile Seizures Plus (GEFS+). Identifiers: Orphanet 36387, MedGen C3502809, MONDO:0018214.

Submissions (3):

GeneDx
Classification: Uncertain significance. Last evaluated: 2026-07-10. Review status: criteria provided, single submitter. Criteria: GeneDx Variant Classification Process June 2021. Collection method: clinical testing. Allele origin: germline.
Comment: Not observed at significant frequency in large population cohorts (gnomAD); In silico analysis supports that this missense variant has a deleterious effect on protein structure/function; This variant is associated with the following publications: (PMID: 34038384)

OMIM
Classification: Pathogenic for GENERALIZED EPILEPSY WITH FEBRILE SEIZURES PLUS, TYPE 12. Last evaluated: 2024-04-01. Review status: no assertion criteria provided. Collection method: literature only. Allele origin: germline. Not counted in ClinVar's aggregate classification.

Neurogenetics Research Program, University of Adelaide
Classification: Likely pathogenic for Generalized epilepsy with febrile seizures plus. Last evaluated: 2020-01-01. Review status: no assertion criteria provided. Collection method: research. Allele origin: germline. Inheritance: Autosomal dominant inheritance. Affected: yes. Observed: 2 variant alleles, 2 heterozygotes. Not counted in ClinVar's aggregate classification.

Literature cited by the submitters: PubMed 34038384 (cited by OMIM).

NM_080552.3(SLC32A1):c.1382G>A (p.Gly461Asp)

Gene: SLC32A1 (solute carrier family 32 member 1; plus strand). Cytogenetic location: 20q11.23.
Variant type: single nucleotide variant.
Coding change: c.1382G>A on transcript NM_080552.3 (MANE Select); coding-DNA position 1382, G replaced by A.
Protein change: p.Gly461Asp; replaces glycine 461 with aspartic acid.
Molecular consequence: missense variant.
Genome position (GRCh38, 1-based): chr20:38,728,443, G>A. VCF-style: chr20-38728443-G-A. GRCh37 (hg19) VCF-style: chr20-37357086-G-A.
Other names: c.1382G>A (NM_080552.2); short protein forms G461D.
Identifiers: ClinVar variation 918046 (VCV000918046.5), dbSNP rs2084286884, ClinGen allele CA408907218.